The following is an entry in ClinVar:

NM_138694.4(PKHD1):c.4418A>G (p.Gln1473Arg)

Gene: PKHD1 (PKHD1 ciliary IPT domain containing fibrocystin/polyductin; minus strand). Cytogenetic location: 6p12.2.
Variant type: single nucleotide variant.
Coding change: c.4418A>G on transcript NM_138694.4 (MANE Select); coding-DNA position 4418, A replaced by G.
Protein change: p.Gln1473Arg; replaces glutamine 1473 with arginine.
Molecular consequence: missense variant.
Genome position (GRCh38, 1-based): chr6:52,025,392, T>C on the plus strand (A>G on the coding strand, the complement: PKHD1 is on the minus strand). VCF-style: chr6-52025392-T-C. GRCh37 (hg19) VCF-style: chr6-51890190-T-C.
Other names: c.4418A>G, p.Gln1473Arg (NM_170724.3); short protein forms Q1473R.
Identifiers: ClinVar variation 843873 (VCV000843873.5), dbSNP rs780740862, ClinGen allele CA3852723.
Genomic context (GRCh38, chr6:52,025,392, plus strand): 5'-GTGGACAAGGCATCCATGACAGGACTTGCCTCTTCCCTTATGAAAAGAGTGCAATTCCCC[T>C]GACACTCGCTGGTTAGCCCATTGACCAGGACTGTGACGTTCAGGGAGAAGGAAGCTCCAG-3'
Protein context (NP_619639.3, residues 1463-1483): VLVNGLTSEC[Gln1473Arg]GNCTLFIREE

ClinVar aggregate classification (germline): Uncertain significance. Review status: criteria provided, multiple submitters, no conflicts (2 of 4 stars). 3 submissions from 3 submitters: Uncertain significance (2). 1 of the submissions does not count toward it. Last evaluated 2024-04-02.

Conditions:
Polycystic kidney disease 4 (PKD4). Also called: POLYCYSTIC KIDNEY AND HEPATIC DISEASE 1; POLYCYSTIC KIDNEY DISEASE, INFANTILE, TYPE I; POLYCYSTIC KIDNEY DISEASE 4 WITH OR WITHOUT POLYCYSTIC LIVER DISEASE; Autosomal Recessive Polycystic Kidney Disease – PKHD1; PKD3. Identifiers: MedGen C4540575, MONDO:0033004, OMIM 263200.
Autosomal recessive polycystic kidney disease (ARPKD). Also called: AR polycystic kidney disease. Identifiers: Orphanet 731, Orphanet 8378, MedGen C0085548, MeSH D017044, MONDO:0009889.

Allele frequency attached by ClinVar (database versions not stated): gnomAD 0.00003; gnomAD exomes 0.00003 and 0.00002; ExAC 0.00002; TOPMed 0.00002.
gnomAD v4.1: 49 of 1,611,156 alleles (0.003%); highest among the groups gnomAD compares: Middle Eastern, 0.016%; no homozygotes.

Submissions (3):

Fulgent Genetics
Classification: Uncertain significance for Polycystic kidney disease 4. Last evaluated: 2024-04-02. Review status: criteria provided, single submitter. Criteria: ACMG Guidelines, 2015. Collection method: clinical testing. Allele origin: germline.

Labcorp Genetics (formerly Invitae), Labcorp
Classification: Uncertain significance for Autosomal recessive polycystic kidney disease. Last evaluated: 2021-08-27. Review status: criteria provided, single submitter. Criteria: Invitae Variant Classification Sherloc (09022015). Collection method: clinical testing. Allele origin: germline.
Comment: This sequence change replaces glutamine with arginine at codon 1473 of the PKHD1 protein (p.Gln1473Arg). The glutamine residue is moderately conserved and there is a small physicochemical difference between glutamine and arginine. This variant is present in population databases (rs780740862, ExAC 0.01%). This variant has not been reported in the literature in individuals affected with PKHD1-related conditions. Algorithms developed to predict the effect of missense changes on protein structure and function are either unavailable or do not agree on the potential impact of this missense change (SIFT: "Tolerated"; PolyPhen-2: "Possibly Damaging"; Align-GVGD: "Class C0"). In summary, the available evidence is currently insufficient to determine the role of this variant in disease. Therefore, it has been classified as a Variant of Uncertain Significance.

Natera, Inc.
Classification: Uncertain significance for Autosomal recessive polycystic kidney disease. Last evaluated: 2020-09-16. Review status: no assertion criteria provided. Collection method: clinical testing. Allele origin: germline. Not counted in ClinVar's aggregate classification.